The following is an entry in ClinVar:

ClinVar aggregate classification (germline): Uncertain significance (1 of 4 stars; one submission).

Conditions:
Early-infantile DEE. Also called: Ohtahara syndrome; Early infantile epileptic encephalopathy; Early infantile epileptic encephalopathy with suppression bursts. Identifiers: Orphanet 1934, MedGen C0393706, MONDO:0800491.

Submission:

Labcorp Genetics (formerly Invitae), Labcorp
Classification: Uncertain significance for Early-infantile DEE. Last evaluated: 2023-07-27. Review status: criteria provided, single submitter. Criteria: Invitae Variant Classification Sherloc (09022015). Collection method: clinical testing. Allele origin: germline.
Comment: In summary, the available evidence is currently insufficient to determine the role of this variant in disease. Therefore, it has been classified as a Variant of Uncertain Significance. An algorithm developed to predict the effect of missense changes on protein structure and function (PolyPhen-2) suggests that this variant is likely to be tolerated. This variant has not been reported in the literature in individuals affected with KCNQ2-related conditions. This variant is not present in population databases (gnomAD no frequency). This sequence change replaces aspartic acid, which is acidic and polar, with glycine, which is neutral and non-polar, at codon 470 of the KCNQ2 protein (p.Asp470Gly).

NM_172107.4(KCNQ2):c.1409A>G (p.Asp470Gly)

Gene: KCNQ2 (potassium voltage-gated channel subfamily Q member 2; minus strand). Cytogenetic location: 20q13.33.
Variant type: single nucleotide variant.
Coding change: c.1409A>G on transcript NM_172107.4 (MANE Select); coding-DNA position 1409, A replaced by G.
Protein change: p.Asp470Gly; replaces aspartic acid 470 with glycine.
Molecular consequence: missense variant.
Genome position (GRCh38, 1-based): chr20:63,415,019, T>C on the plus strand (A>G on the coding strand, the complement: KCNQ2 is on the minus strand). VCF-style: chr20-63415019-T-C. GRCh37 (hg19) VCF-style: chr20-62046372-T-C.
Other names: c.1355A>G, p.Asp452Gly (NM_001382235.1, NM_172106.3); c.1325A>G, p.Asp442Gly (NM_004518.6); c.1319A>G, p.Asp440Gly (NM_172108.5); short protein forms D452G, D470G, D440G, D442G.
Identifiers: ClinVar variation 2885386 (VCV002885386.3), dbSNP rs2145556369, ClinGen allele CA409646650.